The following is an entry in ClinVar:

ClinVar aggregate classification (germline): Uncertain significance (1 of 4 stars; one submission).

Conditions:
Infantile-onset ascending hereditary spastic paralysis (IAHSP). Also called: Autosomal Recessive Juvenile Amyotrophic Lateral Sclerosis; Infantile-Onset Ascending Hereditary Spastic Paralysis (IAHSP). Identifiers: Orphanet 293168, MedGen C2931441, MONDO:0011797, OMIM 607225. Disease mechanism: loss of function.

Allele frequency attached by ClinVar (database versions not stated): TOPMed below 0.00001; gnomAD exomes 0.00001; ExAC 0.00002.
gnomAD v4.1: 12 of 1,612,926 alleles (0.00074%); highest among the groups gnomAD compares: Non-Finnish European, 0.00093%; no homozygotes.

Submission:

Labcorp Genetics (formerly Invitae), Labcorp
Classification: Uncertain significance for Infantile-onset ascending hereditary spastic paralysis. Last evaluated: 2022-02-02. Review status: criteria provided, single submitter. Criteria: Invitae Variant Classification Sherloc (09022015). Collection method: clinical testing. Allele origin: germline.
Comment: This sequence change replaces asparagine, which is neutral and polar, with threonine, which is neutral and polar, at codon 1201 of the ALS2 protein (p.Asn1201Thr). This variant is present in population databases (rs746803277, gnomAD 0.002%). This variant has not been reported in the literature in individuals affected with ALS2-related conditions. Algorithms developed to predict the effect of missense changes on protein structure and function output the following: SIFT: "Tolerated"; PolyPhen-2: "Benign"; Align-GVGD: "Class C0". The threonine amino acid residue is found in multiple mammalian species, which suggests that this missense change does not adversely affect protein function. In summary, the available evidence is currently insufficient to determine the role of this variant in disease. Therefore, it has been classified as a Variant of Uncertain Significance.

NM_020919.4(ALS2):c.3602A>C (p.Asn1201Thr)

Gene: ALS2 (alsin Rho guanine nucleotide exchange factor ALS2; minus strand). Cytogenetic location: 2q33.1.
Variant type: single nucleotide variant.
Coding change: c.3602A>C on transcript NM_020919.4 (MANE Select); coding-DNA position 3602, A replaced by C.
Protein change: p.Asn1201Thr; replaces asparagine 1201 with threonine.
Molecular consequence: missense variant.
Genome position (GRCh38, 1-based): chr2:201,723,352, T>G on the plus strand (A>C on the coding strand, the complement: ALS2 is on the minus strand). VCF-style: chr2-201723352-T-G. GRCh37 (hg19) VCF-style: chr2-202588075-T-G.
Other names: c.3602A>C, p.Asn1201Thr (NM_001410975.1); short protein forms N1201T.
Identifiers: ClinVar variation 1930049 (VCV001930049.5), dbSNP rs746803277, ClinGen allele CA2057832.